The following is an entry in ClinVar:

ClinVar aggregate classification (germline): Likely pathogenic. Review status: criteria provided, multiple submitters, no conflicts (2 of 4 stars). 6 submissions from 6 submitters: Likely pathogenic (5). 1 of the submissions does not count toward it. Last evaluated 2025-10-21.
ClinVar aggregate classification (oncogenicity): Uncertain significance (1 of 4 stars; one submission).

Conditions:
Ataxia-telangiectasia syndrome (AT). Also called: Ataxia-telangiectasia, complementation group D; Ataxia-telangiectasia, complementation group E; LOUIS-BAR SYNDROME; AT, COMPLEMENTATION GROUP C; ATAXIA-TELANGIECTASIA, COMPLEMENTATION GROUP A; ATAXIA-TELANGIECTASIA, FRESNO VARIANT. Identifiers: Orphanet 100, MedGen C0004135, MONDO:0008840, OMIM 208900.
Hereditary cancer-predisposing syndrome. Also called: Neoplastic Syndromes, Hereditary; Hereditary neoplastic syndrome; Hereditary Cancer Syndrome; Tumor predisposition. Identifiers: Orphanet 140162, MedGen C0027672, MeSH D009386, MONDO:0015356.
Familial cancer of breast. Also called: hereditary breast carcinoma; Hereditary breast cancer; BREAST CANCER, FAMILIAL. Identifiers: Orphanet 227535, MedGen C0346153, MONDO:0016419, OMIM 114480. Disease mechanism: loss of function.
Neoplasm. Also called: tumor; Neoplasms; Neoplasm (disease). Identifiers: MedGen C0027651, MeSH D009369, MONDO:0005070, HP:0002664.

gnomAD v4.1: 1 of 1,602,604 alleles (0.000062%); no homozygotes.

Submissions (7):

Labcorp Genetics (formerly Invitae), Labcorp
Classification: Likely pathogenic for Ataxia-telangiectasia syndrome. Last evaluated: 2025-10-21. Review status: criteria provided, single submitter. Criteria: Invitae Variant Classification Sherloc (09022015). Collection method: clinical testing. Allele origin: germline.
Comment: This sequence change affects an acceptor splice site in intron 43 of the ATM gene. It is expected to disrupt RNA splicing. Variants that disrupt the donor or acceptor splice site typically lead to a loss of protein function (PMID: 16199547), and loss-of-function variants in ATM are known to be pathogenic (PMID: 23807571, 25614872). This variant is not present in population databases (gnomAD no frequency). Disruption of this splice site has been observed in individual(s) with breast cancer (PMID: 35264596). ClinVar contains an entry for this variant (Variation ID: 371475). Algorithms developed to predict the effect of sequence changes on RNA splicing suggest that this variant may disrupt the consensus splice site. In summary, the currently available evidence indicates that the variant is pathogenic, but additional data are needed to prove that conclusively. Therefore, this variant has been classified as Likely Pathogenic.

Center for Genomic Medicine, Rigshospitalet, Copenhagen University Hospital
Classification: Uncertain significance for Neoplasm. Last evaluated: 2025-03-04. Review status: criteria provided, single submitter. Criteria: ClinGen/CGC/VICC Guidelines for Oncogenicity, 2022. Collection method: clinical testing. Allele origin: somatic. Affected: yes.

Myriad Genetics, Inc.
Classification: Likely pathogenic for Familial cancer of breast. Last evaluated: 2024-01-29. Review status: criteria provided, single submitter. Criteria: Myriad Autosomal Dominant, Autosomal Recessive and X-Linked Classification Criteria (2023). Collection method: clinical testing. Allele origin: unknown.
Comment: This variant is considered likely pathogenic. This variant occurs within a consensus splice junction and is predicted to result in abnormal mRNA splicing of either an out-of-frame exon or an in-frame exon necessary for protein stability and/or normal function.

Baylor Genetics
Classification: Likely pathogenic for Familial cancer of breast. Last evaluated: 2023-08-08. Review status: criteria provided, single submitter. Criteria: ACMG Guidelines, 2015. Collection method: clinical testing. Allele origin: unknown.

Ambry Genetics
Classification: Likely pathogenic for Hereditary cancer-predisposing syndrome. Last evaluated: 2023-05-17. Review status: criteria provided, single submitter. Criteria: Ambry Variant Classification Scheme 2023. Collection method: clinical testing. Allele origin: germline.
Comment: The c.6348-1G>A intronic variant results from a G to A substitution one nucleotide upstream from coding exon 43 of the ATM gene. This alteration was detected in a cohort of 1663 Brazilian breast cancer patients who underwent hereditary multigene panel testing (Guindalini RSC et al. Sci Rep, 2022 Mar;12:4190). This nucleotide position is well conserved in available vertebrate species. In silico splice site analysis predicts that this alteration will weaken the native splice acceptor site and may result in the creation or strengthening of a novel splice acceptor site. RNA studies have demonstrated that this alteration results in abnormal splicing in the set of samples tested (Ambry internal data). Alterations that disrupt the canonical splice site are expected to cause aberrant splicing, resulting in an abnormal protein or a transcript that is subject to nonsense-mediated mRNA decay. As such, this alteration is classified as likely pathogenic.

Mendelics
Classification: Likely pathogenic for Ataxia-telangiectasia syndrome. Last evaluated: 2018-07-02. Review status: criteria provided, single submitter. Criteria: Mendelics Assertion Criteria 2017. Collection method: clinical testing. Allele origin: unknown.

Counsyl
Classification: Likely pathogenic for Ataxia-telangiectasia syndrome. Last evaluated: 2016-10-03. Review status: no assertion criteria provided. Collection method: clinical testing. Allele origin: unknown. Not counted in ClinVar's aggregate classification.

Literature cited by the submitters: PubMed 16199547 (cited by Labcorp Genetics (formerly Invitae), Labcorp); PubMed 23807571 (cited by Labcorp Genetics (formerly Invitae), Labcorp); PubMed 25614872 (cited by Labcorp Genetics (formerly Invitae), Labcorp); PubMed 35264596 (cited by 3 submitters).

NM_000051.4(ATM):c.6348-1G>A

Genes: ATM (ATM serine/threonine kinase; plus strand), C11orf65 (chromosome 11 open reading frame 65; minus strand). Cytogenetic location: 11q22.3.
Variant type: single nucleotide variant.
Coding change: c.6348-1G>A on transcript NM_000051.4 (MANE Select); the canonical splice acceptor site of the intron before coding-DNA position 6348, G replaced by A.
Molecular consequence: splice acceptor variant. On other transcripts: intron variant (2).
Genome position (GRCh38, 1-based): chr11:108,319,953, G>A. VCF-style: chr11-108319953-G-A. GRCh37 (hg19) VCF-style: chr11-108190680-G-A.
Other names: c.6348-1G>A (NM_001351834.2); c.641-10882C>T (NM_001330368.2); c.*39-10882C>T (NM_001351110.2).
Identifiers: ClinVar variation 371475 (VCV000371475.18), dbSNP rs1057517302, ClinGen allele CA16041423.